The following is an entry in ClinVar:

ClinVar aggregate classification (germline): Benign (1 of 4 stars; one submission).

Conditions:
Familial adenomatous polyposis 1 (FAP1). Also called: FAMILIAL ADENOMATOUS POLYPOSIS 1, ATTENUATED; POLYPOSIS, ADENOMATOUS INTESTINAL. Identifiers: MedGen C2713442, MONDO:0021056, OMIM 175100. Disease mechanism: loss of function.

gnomAD v4.1: 1 of 1,611,840 alleles (0.000062%); highest among the groups gnomAD compares: Non-Finnish European, 0.000085%; no homozygotes.

Submission:

Myriad Genetics, Inc.
Classification: Benign for Familial adenomatous polyposis 1. Last evaluated: 2024-04-16. Review status: criteria provided, single submitter. Criteria: Myriad Autosomal Dominant, Autosomal Recessive and X-Linked Classification Criteria (2023). Collection method: clinical testing. Allele origin: unknown.
Comment: This variant is considered benign. This variant is a silent/synonymous amino acid change and it is not expected to impact splicing.

NM_000038.6(APC):c.8499C>T (p.Arg2833=)

Gene: APC (APC regulator of Wnt signaling pathway; plus strand). Cytogenetic location: 5q22.2.
Variant type: single nucleotide variant.
Coding change: c.8499C>T on transcript NM_000038.6 (MANE Select); coding-DNA position 8499, C replaced by T.
Protein change: p.Arg2833=; no amino-acid change (arginine 2833 retained).
Molecular consequence: synonymous variant. On other transcripts: non-coding transcript variant (2).
Genome position (GRCh38, 1-based): chr5:112,844,093, C>T. VCF-style: chr5-112844093-C-T. GRCh37 (hg19) VCF-style: chr5-112179790-C-T.
Other names: c.8499C>T, p.Arg2833= (NM_001127510.3, NM_001354895.2, NM_001407450.1); c.8445C>T, p.Arg2815= (NM_001127511.3); c.8553C>T, p.Arg2851= (NM_001354896.2, NM_001407447.1, NM_001407448.1 and 1 more transcripts); c.8529C>T, p.Arg2843= (NM_001354897.2); c.8424C>T, p.Arg2808= (NM_001354898.2); c.8415C>T, p.Arg2805= (NM_001354899.2); c.8376C>T, p.Arg2792= (NM_001354900.2); c.8322C>T, p.Arg2774= (NM_001354901.2, NM_001407453.1); and 11 more.
Identifiers: ClinVar variation 3254533 (VCV003254533.1), dbSNP rs757921527.